The following is an entry in ClinVar:

NM_002556.3(OSBP):c.102C>T (p.Gly34=)

Genes: OSBP (oxysterol binding protein; minus strand), LOC130005752 (ATAC-STARR-seq lymphoblastoid silent region 3366; plus strand). Cytogenetic location: 11q12.1.
Variant type: single nucleotide variant.
Coding change: c.102C>T on transcript NM_002556.3 (MANE Select); coding-DNA position 102, C replaced by T.
Protein change: p.Gly34=; no amino-acid change (glycine 34 retained).
Molecular consequence: synonymous variant.
Genome position (GRCh38, 1-based): chr11:59,615,563, G>A on the plus strand (C>T on the coding strand, the complement: OSBP is on the minus strand). VCF-style: chr11-59615563-G-A. GRCh37 (hg19) VCF-style: chr11-59383036-G-A.
Identifiers: ClinVar variation 3045940 (VCV003045940.2), dbSNP rs1301717455, ClinGen allele CA474659187.

ClinVar aggregate classification (germline): Likely benign (0 of 4 stars; one submission).

Conditions:
OSBP-related disorder. Also called: OSBP-related condition.

Allele frequency attached by ClinVar (database versions not stated): gnomAD 0.00001; gnomAD exomes 0.00002.

Submission:

PreventionGenetics, part of Exact Sciences
Classification: Likely benign for OSBP-related condition. Last evaluated: 2020-06-25. Review status: no assertion criteria provided. Collection method: clinical testing. Allele origin: germline.
Comment: This variant is classified as likely benign based on ACMG/AMP sequence variant interpretation guidelines (Richards et al. 2015 PMID: 25741868, with internal and published modifications).